The following is an entry in ClinVar:

ClinVar aggregate classification (germline): Uncertain significance. Review status: criteria provided, multiple submitters, no conflicts (2 of 4 stars). 2 submissions from 2 submitters: Uncertain significance (2). Last evaluated 2023-11-02.

Conditions:
Developmental and epileptic encephalopathy 94 (DEE94). Also called: Epileptic encephalopathy, childhood-onset; CHD2-Related Neurodevelopmental Disorders. Identifiers: Orphanet 1942, Orphanet 2382, MedGen C3809278, MONDO:0014150, OMIM 615369.

Allele frequency attached by ClinVar (database versions not stated): gnomAD 0.00001; ExAC 0.00002; gnomAD exomes 0.00002; 1000 Genomes Project 30x 0.00016; 1000 Genomes Project 0.00020.
gnomAD v4.1: 4 of 1,614,042 alleles (0.00025%); highest among the groups gnomAD compares: East Asian, 0.0022%; no homozygotes.

Submissions (2):

Labcorp Genetics (formerly Invitae), Labcorp
Classification: Uncertain significance for Developmental and epileptic encephalopathy 94. Last evaluated: 2023-11-02. Review status: criteria provided, single submitter. Criteria: Invitae Variant Classification Sherloc (09022015). Collection method: clinical testing. Allele origin: germline.
Comment: This sequence change replaces histidine, which is basic and polar, with tyrosine, which is neutral and polar, at codon 1673 of the CHD2 protein (p.His1673Tyr). This variant is present in population databases (rs190569275, gnomAD 0.006%). This variant has not been reported in the literature in individuals affected with CHD2-related conditions. ClinVar contains an entry for this variant (Variation ID: 940368). Advanced modeling of protein sequence and biophysical properties (such as structural, functional, and spatial information, amino acid conservation, physicochemical variation, residue mobility, and thermodynamic stability) performed at Invitae indicates that this missense variant is not expected to disrupt CHD2 protein function with a negative predictive value of 95%. In summary, the available evidence is currently insufficient to determine the role of this variant in disease. Therefore, it has been classified as a Variant of Uncertain Significance.

GeneDx
Classification: Uncertain significance. Last evaluated: 2022-02-07. Review status: criteria provided, single submitter. Criteria: GeneDx Variant Classification Process June 2021. Collection method: clinical testing. Allele origin: germline. Affected: yes.
Comment: In silico analysis supports that this missense variant does not alter protein structure/function; Has not been previously published as pathogenic or benign to our knowledge

NM_001271.4(CHD2):c.5017C>T (p.His1673Tyr)

Gene: CHD2 (chromodomain helicase DNA binding protein 2; plus strand). Cytogenetic location: 15q26.1.
Variant type: single nucleotide variant.
Coding change: c.5017C>T on transcript NM_001271.4 (MANE Select); coding-DNA position 5017, C replaced by T.
Protein change: p.His1673Tyr; replaces histidine 1673 with tyrosine.
Molecular consequence: missense variant.
Genome position (GRCh38, 1-based): chr15:93,020,122, C>T. VCF-style: chr15-93020122-C-T. GRCh37 (hg19) VCF-style: chr15-93563352-C-T.
Other names: short protein forms H1673Y.
Identifiers: ClinVar variation 940368 (VCV000940368.11), dbSNP rs190569275, ClinGen allele CA7748622.